The following is an entry in ClinVar:

NM_000096.4(CP):c.1208+6T>C

Gene: CP (ceruloplasmin; minus strand). Cytogenetic location: 3q25.1.
Variant type: single nucleotide variant.
Coding change: c.1208+6T>C on transcript NM_000096.4 (MANE Select); 6 bases into the intron after coding-DNA position 1208, T replaced by C.
Molecular consequence: intron variant.
Genome position (GRCh38, 1-based): chr3:149,206,162, A>G on the plus strand (T>C on the coding strand, the complement: CP is on the minus strand). VCF-style: chr3-149206162-A-G. GRCh37 (hg19) VCF-style: chr3-148923949-A-G.
Identifiers: ClinVar variation 1364333 (VCV001364333.6), dbSNP rs2108287218, ClinGen allele CA2573136590.

ClinVar aggregate classification (germline): Uncertain significance (1 of 4 stars; one submission).

Conditions:
Deficiency of ferroxidase (ACEP). Also called: Deficiency of ceruloplasmin; Aceruloplasminemia; Ceruloplasmin deficiency; Familial apoceruloplasmin deficiency; Hereditary ceruloplasmin deficiency; NEURODEGENERATION WITH BRAIN IRON ACCUMULATION 10. Identifiers: Orphanet 48818, MedGen C0878682, MONDO:0011426, OMIM 604290, HP:0025498.

Submission:

Labcorp Genetics (formerly Invitae), Labcorp
Classification: Uncertain significance for Deficiency of ferroxidase. Last evaluated: 2024-10-17. Review status: criteria provided, single submitter. Criteria: Invitae Variant Classification Sherloc (09022015). Collection method: clinical testing. Allele origin: germline.
Comment: This sequence change falls in intron 6 of the CP gene. It does not directly change the encoded amino acid sequence of the CP protein. It affects a nucleotide within the consensus splice site. This variant is not present in population databases (gnomAD no frequency). This variant has not been reported in the literature in individuals affected with CP-related conditions. ClinVar contains an entry for this variant (Variation ID: 1364333). Variants that disrupt the consensus splice site are a relatively common cause of aberrant splicing (PMID: 17576681, 9536098). Algorithms developed to predict the effect of sequence changes on RNA splicing suggest that this variant is not likely to affect RNA splicing. In summary, the available evidence is currently insufficient to determine the role of this variant in disease. Therefore, it has been classified as a Variant of Uncertain Significance.

Literature cited by the submitters: PubMed 17576681; PubMed 9536098.